The following is an entry in ClinVar:

NM_032119.4(ADGRV1):c.8779G>A (p.Val2927Ile)

Gene: ADGRV1 (adhesion G protein-coupled receptor V1; plus strand). Cytogenetic location: 5q14.3.
Variant type: single nucleotide variant.
Coding change: c.8779G>A on transcript NM_032119.4 (MANE Select); coding-DNA position 8779, G replaced by A.
Protein change: p.Val2927Ile; replaces valine 2927 with isoleucine.
Molecular consequence: missense variant. On other transcripts: non-coding transcript variant (1).
Genome position (GRCh38, 1-based): chr5:90,708,864, G>A. VCF-style: chr5-90708864-G-A. GRCh37 (hg19) VCF-style: chr5-90004681-G-A.
Other names: short protein forms V2927I.
Identifiers: ClinVar variation 228726 (VCV000228726.13), dbSNP rs547397177, ClinGen allele CA3340350.

ClinVar aggregate classification (germline): Conflicting classifications of pathogenicity. Review status: criteria provided, conflicting classifications (1 of 4 stars). 5 submissions from 5 submitters: Uncertain significance (4); Likely benign (1). Last evaluated 2025-12-16.

Allele frequency attached by ClinVar (database versions not stated): ExAC 0.00007; gnomAD exomes 0.00007; gnomAD 0.00009; TOPMed 0.00009; 1000 Genomes Project 0.00020; 1000 Genomes Project 30x 0.00031.
gnomAD v4.1: 104 of 1,612,512 alleles (0.0064%); highest among the groups gnomAD compares: Admixed American, 0.012%; no homozygotes.

Submissions (5):

Labcorp Genetics (formerly Invitae), Labcorp
Classification: Likely benign. Last evaluated: 2025-12-16. Review status: criteria provided, single submitter. Criteria: Invitae Variant Classification Sherloc (09022015). Collection method: clinical testing. Allele origin: germline.

Women's Health and Genetics/Laboratory Corporation of America, LabCorp
Classification: Uncertain significance. Last evaluated: 2023-02-14. Review status: criteria provided, single submitter. Criteria: LabCorp Variant Classification Summary - May 2015. Collection method: clinical testing. Allele origin: germline.
Comment: Variant summary: ADGRV1 c.8779G>A (p.Val2927Ile) results in a conservative amino acid change in the encoded protein sequence. Three of five in-silico tools predict a benign effect of the variant on protein function. The variant allele was found at a frequency of 6.8e-05 in 248910 control chromosomes. This frequency is not significantly higher than estimated for a pathogenic variant in ADGRV1 causing Usher Syndrome (6.8e-05 vs 0.0054), allowing no conclusion about variant significance. c.8779G>A has been reported in the literature in one heterozygous individual affected with retinitis pigmentosa, although a second ADGRV1 variant was not detected (Bravo-Gil_2017), as well as a compound heterozygous individual with Usher syndrome, although a second truncating ADGRV1 was identified in cis (Candelo_2021). These reports therefore do not provide unequivocal conclusions about association of the variant with Usher Syndrome. To our knowledge, no experimental evidence demonstrating an impact on protein function has been reported. Three ClinVar submitters (evaluation after 2014) have cited the variant, with two submitters classifying the variant as uncertain significance and one submitter classifying it as likely benign. Based on the evidence outlined above, the variant was classified as uncertain significance.

Blueprint Genetics
Classification: Uncertain significance. Last evaluated: 2022-11-17. Review status: criteria provided, single submitter. Criteria: ACMG Guidelines, 2015. Collection method: clinical testing. Allele origin: germline.

GeneDx
Classification: Uncertain significance. Last evaluated: 2017-09-22. Review status: criteria provided, single submitter. Criteria: GeneDx Variant Classification (06012015). Collection method: clinical testing. Allele origin: germline. Affected: yes.
Comment: The V2927I variant in the ADGRV1 gene has been reported previously in an individual with retinitis pigmentosa, however a second variant was not identified (Bravo-Gil et al., 2017). The V2927I variant is observed in 7/66708 (0.01%) alleles from individuals of non-Finnish European background, in the ExAC dataset (Lek et al., 2016). The V2927I variant is a conservative amino acid substitution, which is not likely to impact secondary protein structure as these residues share similar properties. This substitution occurs at a position where amino acids with similar properties to Valine are tolerated across species. In silico analysis is inconsistent in its predictions as to whether or not the variant is damaging to the protein structure/function. We interpret V2927I as a variant of uncertain significance.

Laboratory for Molecular Medicine, Mass General Brigham Personalized Medicine
Classification: Uncertain significance. Last evaluated: 2015-04-20. Review status: criteria provided, single submitter. Criteria: LMM Criteria. Collection method: clinical testing. Allele origin: germline. Observed: 1 variant allele.
Comment: The p.Val2927Ile variant in GPR98 has not been previously reported in individual s with hearing loss, but has been identified in 7/66708 European chromosomes by the Exome Aggregation Consortium (ExAC; dbSNP rs 547397177). Computational prediction tools and conservation analyses suggest tha t the p.Val2927Ile variant may not impact the protein, though this information i s not predictive enough to rule out pathogenicity. In summary, the clinical sign ificance of the p.Val2927Ile variant is uncertain.

Literature cited by the submitters: PubMed 28157192 (cited by Women's Health and Genetics/Laboratory Corporation of America, LabCorp).